The following is an entry in ClinVar:

ClinVar aggregate classification (germline): Conflicting classifications of pathogenicity. Review status: criteria provided, conflicting classifications (1 of 4 stars). 2 submissions from 2 submitters: Uncertain significance (1); Likely benign (1). Last evaluated 2025-11-24.

Conditions:
IKBKG-related disorder. Also called: IKBKG-related condition.

gnomAD v4.1: 40 of 1,138,836 alleles (0.0035%); highest among the groups gnomAD compares: Middle Eastern, 0.047%; no homozygotes.

Submissions (2):

PreventionGenetics, part of Exact Sciences
Classification: Likely benign for IKBKG-related condition. Last evaluated: 2025-11-24. Review status: criteria provided, single submitter. Criteria: ACMG Guidelines, 2015. Collection method: clinical testing. Allele origin: germline.
Comment: This variant is classified as likely benign based on ACMG/AMP sequence variant interpretation guidelines (Richards et al. 2015 PMID: 25741868, with internal and published modifications).

Blueprint Genetics
Classification: Uncertain significance. Last evaluated: 2023-12-21. Review status: criteria provided, single submitter. Criteria: ACMG Guidelines, 2015. Collection method: clinical testing. Allele origin: germline.

NM_001099856.6(IKBKG):c.11T>C (p.Val4Ala)

Genes: G6PD (glucose-6-phosphate dehydrogenase; minus strand), IKBKG (inhibitor of nuclear factor kappa B kinase regulatory subunit gamma; plus strand), LOC108281126 (G6PD and IKBKG intron CAGE-defined low expression enhancer; plus strand). Cytogenetic location: Xq28.
Variant type: single nucleotide variant.
Coding change: c.11T>C on transcript NM_001099856.6; coding-DNA position 11, T replaced by C.
Protein change: p.Val4Ala; replaces valine 4 with alanine.
Molecular consequence: missense variant. On other transcripts: 5 prime UTR variant (1), intron variant (5).
Genome position (GRCh38, 1-based): chrX:154,542,274, T>C. VCF-style: chrX-154542274-T-C. GRCh37 (hg19) VCF-style: chrX-153770489-T-C.
Other names: c.-129T>C (NM_001321396.3); c.210+3762A>G (NM_000402.4); c.120+3762A>G (NM_001042351.3, NM_001360016.2); c.-16+883T>C (NM_001377312.1, NM_001377313.1); short protein forms V4A.
Identifiers: ClinVar variation 4953736 (VCV004953736.2).